The following is an entry in ClinVar:

ClinVar aggregate classification (germline): Uncertain significance (1 of 4 stars; one submission).

Allele frequency attached by ClinVar (database versions not stated): gnomAD exomes below 0.00001; TOPMed below 0.00001.
gnomAD v4.1: 4 of 1,614,008 alleles (0.00025%); highest among the groups gnomAD compares: South Asian, 0.0011%; no homozygotes.

Submission:

Labcorp Genetics (formerly Invitae), Labcorp
Classification: Uncertain significance. Last evaluated: 2022-08-26. Review status: criteria provided, single submitter. Criteria: Invitae Variant Classification Sherloc (09022015). Collection method: clinical testing. Allele origin: germline.
Comment: In summary, the available evidence is currently insufficient to determine the role of this variant in disease. Therefore, it has been classified as a Variant of Uncertain Significance. Algorithms developed to predict the effect of missense changes on protein structure and function are either unavailable or do not agree on the potential impact of this missense change (SIFT: "Deleterious"; PolyPhen-2: "Benign"; Align-GVGD: "Class C0"). This variant is not present in population databases (gnomAD no frequency). This variant has not been reported in the literature in individuals affected with AP3D1-related conditions. This sequence change replaces alanine, which is neutral and non-polar, with threonine, which is neutral and polar, at codon 988 of the AP3D1 protein (p.Ala988Thr).

NM_001261826.3(AP3D1):c.2962G>A (p.Ala988Thr)

Gene: AP3D1 (adaptor related protein complex 3 subunit delta 1; minus strand). Cytogenetic location: 19p13.3.
Variant type: single nucleotide variant.
Coding change: c.2962G>A on transcript NM_001261826.3 (MANE Select); coding-DNA position 2962, G replaced by A.
Protein change: p.Ala988Thr; replaces alanine 988 with threonine.
Molecular consequence: missense variant.
Genome position (GRCh38, 1-based): chr19:2,111,308, C>T on the plus strand (G>A on the coding strand, the complement: AP3D1 is on the minus strand). VCF-style: chr19-2111308-C-T. GRCh37 (hg19) VCF-style: chr19-2111307-C-T.
Other names: c.2926G>A, p.Ala976Thr (NM_001374799.1); c.2776G>A, p.Ala926Thr (NM_003938.8); short protein forms A926T, A988T, A976T.
Identifiers: ClinVar variation 2034197 (VCV002034197.4), dbSNP rs1234450210, ClinGen allele CA403203606.